The following is an entry in ClinVar:

NM_020975.6(RET):c.1880-16C>T

Gene: RET (ret proto-oncogene; plus strand). Cytogenetic location: 10q11.21.
Variant type: single nucleotide variant.
Coding change: c.1880-16C>T on transcript NM_020975.6 (MANE Select); 16 bases into the intron before coding-DNA position 1880, C replaced by T.
Molecular consequence: intron variant.
Genome position (GRCh38, 1-based): chr10:43,114,464, C>T. VCF-style: chr10-43114464-C-T. GRCh37 (hg19) VCF-style: chr10-43609912-C-T.
Other names: c.1880-16C>T (NM_020630.7, NM_001406743.1, NM_001406744.1 and 2 more transcripts); c.1880-151C>T (NM_001406765.1, NM_001406763.1); c.1484-16C>T (NM_001406772.1, NM_001406769.1); c.1442-16C>T (NM_001406773.1, NM_001406771.1); c.983-16C>T (NM_001406782.1, NM_001406780.1, NM_001406779.1 and 1 more transcripts); c.983-151C>T (NM_001406787.1); c.863-16C>T (NM_001406785.1); c.1751-16C>T (NM_001406764.1, NM_001406762.1, NM_001406761.1); and 10 more.
Identifiers: ClinVar variation 1559983 (VCV001559983.11), dbSNP rs370491323, ClinGen allele CA036130.

ClinVar aggregate classification (germline): Benign/Likely benign. Review status: criteria provided, multiple submitters, no conflicts (2 of 4 stars). 3 submissions from 3 submitters: Benign (1); Likely benign (2). Last evaluated 2025-11-18.

Conditions:
Multiple endocrine neoplasia type 2A. Also called: MULTIPLE ENDOCRINE NEOPLASIA, TYPE IIA; PTC SYNDROME; SIPPLE SYNDROME; MEN 2A; MEN-2A syndrome; Pheochromocytoma and amyloid producing medullary thyroid carcinoma. Identifiers: Orphanet 247698, Orphanet 653, MedGen C0025268, MeSH D018813, MONDO:0008234, OMIM 171400.
Multiple endocrine neoplasia, type 2 (MEN2). Identifiers: Orphanet 653, MedGen C4048306, MONDO:0019003. Disease mechanism: gain of function.

Allele frequency attached by ClinVar (database versions not stated): TOPMed 0.00001; ESP Exome Variant Server 0.00008; gnomAD 0.00012 and 0.00013; ExAC 0.00015.
gnomAD v4.1: 114 of 1,604,956 alleles (0.0071%); highest among the groups gnomAD compares: South Asian, 0.0011%; no homozygotes.

Submissions (3):

Labcorp Genetics (formerly Invitae), Labcorp
Classification: Benign for Multiple endocrine neoplasia, type 2. Last evaluated: 2025-11-18. Review status: criteria provided, single submitter. Criteria: Invitae Variant Classification Sherloc (09022015). Collection method: clinical testing. Allele origin: germline.

Myriad Genetics, Inc.
Classification: Likely benign for Multiple endocrine neoplasia type 2A. Last evaluated: 2025-02-26. Review status: criteria provided, single submitter. Criteria: Myriad Autosomal Dominant, Autosomal Recessive and X-Linked Classification Criteria (2023). Collection method: clinical testing. Allele origin: unknown.
Comment: This variant is considered likely benign. This variant is intronic and is not expected to impact mRNA splicing.

Blueprint Genetics
Classification: Likely benign. Last evaluated: 2024-04-18. Review status: criteria provided, single submitter. Criteria: ACMG Guidelines, 2015. Collection method: clinical testing. Allele origin: germline.